The following is an entry in ClinVar:

ClinVar aggregate classification (germline): Benign/Likely benign. Review status: criteria provided, multiple submitters, no conflicts (2 of 4 stars). 6 submissions from 6 submitters: Benign (1); Likely benign (3). 2 of the submissions do not count toward it. Last evaluated 2026-01-21.

Conditions:
Diffuse cerebral and cerebellar atrophy - intractable seizures - progressive microcephaly syndrome. Also called: Microcephaly, progressive, with seizures and cerebral and cerebellar atrophy. Identifiers: Orphanet 404437, MedGen C4014239, MONDO:0014335, OMIM 615760.

Allele frequency attached by ClinVar (database versions not stated): ESP Exome Variant Server 0.00008; 1000 Genomes Project 30x 0.00016; 1000 Genomes Project 0.00020; TOPMed 0.00022; gnomAD 0.00023; gnomAD exomes 0.00029 and 0.00051; ExAC 0.00044.

Submissions (6):

Labcorp Genetics (formerly Invitae), Labcorp
Classification: Benign for Diffuse cerebral and cerebellar atrophy - intractable seizures - progressive microcephaly syndrome. Last evaluated: 2026-01-21. Review status: criteria provided, single submitter. Criteria: Invitae Variant Classification Sherloc (09022015). Collection method: clinical testing. Allele origin: germline.

Blueprint Genetics
Classification: Likely benign. Last evaluated: 2024-09-05. Review status: criteria provided, single submitter. Criteria: ACMG Guidelines, 2015. Collection method: clinical testing. Allele origin: germline.

GeneDx
Classification: Likely benign. Last evaluated: 2018-02-06. Review status: criteria provided, single submitter. Criteria: GeneDx Variant Classification (06012015). Collection method: clinical testing. Allele origin: germline. Affected: yes.
Comment: This variant is considered likely benign or benign based on one or more of the following criteria: it is a conservative change, it occurs at a poorly conserved position in the protein, it is predicted to be benign by multiple in silico algorithms, and/or has population frequency not consistent with disease.

Breakthrough Genomics
Classification: Likely benign. Review status: criteria provided, single submitter. Criteria: ACMG Guidelines, 2015. Collection method: not provided. Allele origin: germline. Inheritance: Autosomal recessive inheritance. Affected: yes.

Clinical Genetics DNA and cytogenetics Diagnostics Lab, Erasmus MC, Erasmus Medical Center
Classification: Likely benign. Review status: no assertion criteria provided. Collection method: clinical testing. Allele origin: germline. Affected: yes. Study: VKGL Data-share Consensus. Not counted in ClinVar's aggregate classification.

Genome Diagnostics Laboratory, University Medical Center Utrecht
Classification: Likely benign. Review status: no assertion criteria provided. Collection method: clinical testing. Allele origin: germline. Affected: yes. Study: VKGL Data-share Consensus. Not counted in ClinVar's aggregate classification.

NM_005051.3(QARS1):c.1388+7G>A

Gene: QARS1 (glutaminyl-tRNA synthetase 1; minus strand). Cytogenetic location: 3p21.31.
Variant type: single nucleotide variant.
Coding change: c.1388+7G>A on transcript NM_005051.3 (MANE Select); 7 bases into the intron after coding-DNA position 1388, G replaced by A.
Molecular consequence: intron variant.
Genome position (GRCh38, 1-based): chr3:49,099,754, C>T on the plus strand (G>A on the coding strand, the complement: QARS1 is on the minus strand). VCF-style: chr3-49099754-C-T. GRCh37 (hg19) VCF-style: chr3-49137187-C-T.
Other names: c.1355+7G>A (NM_001272073.2).
Identifiers: ClinVar variation 383609 (VCV000383609.12), dbSNP rs201234869, ClinGen allele CA2391770.